The following is an entry in ClinVar:

ClinVar aggregate classification (germline): Uncertain significance (1 of 4 stars; one submission).

Conditions:
Familial episodic pain syndrome with predominantly lower limb involvement. Also called: Episodic pain syndrome, familial, 3. Identifiers: Orphanet 391384, Orphanet 391392, MedGen C3809899, MONDO:0014247, OMIM 615552.
Hereditary sensory and autonomic neuropathy type 7. Also called: Neuropathy, hereditary sensory and autonomic, type VII; HSAN VII. Identifiers: Orphanet 391397, MedGen C3809882, MONDO:0014244, OMIM 615548.

Submission:

Labcorp Genetics (formerly Invitae), Labcorp
Classification: Uncertain significance for Familial episodic pain syndrome with predominantly lower limb involvement; Hereditary sensory and autonomic neuropathy type 7. Last evaluated: 2024-10-21. Review status: criteria provided, single submitter. Criteria: Invitae Variant Classification Sherloc (09022015). Collection method: clinical testing. Allele origin: germline.
Comment: This sequence change creates a premature translational stop signal (p.Cys1774Glnfs*6) in the SCN11A gene. While this is not anticipated to result in nonsense mediated decay, it is expected to disrupt the last 18 amino acid(s) of the SCN11A protein. This variant is not present in population databases (gnomAD no frequency). This variant has not been reported in the literature in individuals affected with SCN11A-related conditions. In summary, the available evidence is currently insufficient to determine the role of this variant in disease. Therefore, it has been classified as a Variant of Uncertain Significance.

NM_001349253.2(SCN11A):c.5319_5320del (p.Cys1774fs)

Gene: SCN11A (sodium voltage-gated channel alpha subunit 11; minus strand). Cytogenetic location: 3p22.2.
Variant type: Deletion.
Coding change: c.5319_5320del on transcript NM_001349253.2 (MANE Select); coding-DNA positions 5319 to 5320, 2 bases deleted (TT; older notation c.5319_5320delTT).
Protein change: p.Cys1774fs; shifts the reading frame from cysteine 1774.
Molecular consequence: frameshift variant.
Genome position (GRCh38, 1-based): chr3:38,846,750-38,846,751, AA deleted on the plus strand (TT on the coding strand, the reverse complement: SCN11A is on the minus strand); deleting any 2 consecutive bases within chr3:38,846,750-38,846,752 gives the same sequence; the c. name uses the placement nearest the transcript's 3' end. VCF-style (leftmost placement, unchanged base first): chr3-38846749-CAA-C. GRCh37 (hg19) VCF-style: chr3-38888240-CAA-C.
Other names: c.5319_5320del, p.Cys1774fs (NM_014139.3); short protein forms C1774fs.
Identifiers: ClinVar variation 2946220 (VCV002946220.3), dbSNP rs2064670875, ClinGen allele CA1358697690.
Genomic context (GRCh38, chr3:38,846,749, plus strand): 5'-AGGGCTCAGTCACAGTGGACCTTGCCCTTGGCCACCCCAAAGCTAGACAAGTCTCCATTG[CAA>C]AGAGTCTGGAGTGGTGAATGAGGCCCGTTTTCCAAGTCATTTTGGTCACCTTGGTCACCC-3'